The following is an entry in ClinVar:

ClinVar aggregate classification (germline): Likely benign. Review status: criteria provided, multiple submitters, no conflicts (2 of 4 stars). 2 submissions from 2 submitters: Likely benign (2). Last evaluated 2026-01-05.

Conditions:
Nephronophthisis 15 (NPHP15). Identifiers: Orphanet 3156, MedGen C3541853, MONDO:0013917, OMIM 614845.
CEP164-related disorder. Also called: CEP164-related condition.

gnomAD v4.1: 19 of 1,614,044 alleles (0.0012%); highest among the groups gnomAD compares: East Asian, 0.013%; no homozygotes.

Submissions (2):

PreventionGenetics, part of Exact Sciences
Classification: Likely benign for CEP164-related condition. Last evaluated: 2026-01-05. Review status: criteria provided, single submitter. Criteria: ACMG Guidelines, 2015. Collection method: clinical testing. Allele origin: germline.
Comment: This variant is classified as likely benign based on ACMG/AMP sequence variant interpretation guidelines (Richards et al. 2015 PMID: 25741868, with internal and published modifications).

Labcorp Genetics (formerly Invitae), Labcorp
Classification: Likely benign for Nephronophthisis 15. Last evaluated: 2024-12-13. Review status: criteria provided, single submitter. Criteria: Invitae Variant Classification Sherloc (09022015). Collection method: clinical testing. Allele origin: germline.

NM_014956.5(CEP164):c.3373C>A (p.Arg1125=)

Gene: CEP164 (centrosomal protein 164; plus strand). Cytogenetic location: 11q23.3.
Variant type: single nucleotide variant.
Coding change: c.3373C>A on transcript NM_014956.5 (MANE Select); coding-DNA position 3373, C replaced by A.
Protein change: p.Arg1125=; no amino-acid change (arginine 1125 retained).
Molecular consequence: synonymous variant.
Genome position (GRCh38, 1-based): chr11:117,397,185, C>A. VCF-style: chr11-117397185-C-A. GRCh37 (hg19) VCF-style: chr11-117267901-C-A.
Other names: c.3382C>A, p.Arg1128= (NM_001271933.2); c.3373C>A (NM_014956.4).
Identifiers: ClinVar variation 1569583 (VCV001569583.9), dbSNP rs372830445, ClinGen allele CA6295434.